The following is an entry in ClinVar:

NM_000264.5(PTCH1):c.2480G>C (p.Ser827Thr)

Genes: PTCH1 (patched 1; minus strand), LOC100507346 (uncharacterized LOC100507346; plus strand). Cytogenetic location: 9q22.32.
Variant type: single nucleotide variant.
Coding change: c.2480G>C on transcript NM_000264.5 (MANE Select); coding-DNA position 2480, G replaced by C.
Protein change: p.Ser827Thr; replaces serine 827 with threonine.
Molecular consequence: missense variant. On other transcripts: non-coding transcript variant (2).
Genome position (GRCh38, 1-based): chr9:95,467,196, C>G on the plus strand (G>C on the coding strand, the complement: PTCH1 is on the minus strand). VCF-style: chr9-95467196-C-G. GRCh37 (hg19) VCF-style: chr9-98229478-C-G.
Other names: c.2282G>C, p.Ser761Thr (NM_001083602.3); c.2477G>C, p.Ser826Thr (NM_001083603.3); c.2027G>C, p.Ser676Thr (NM_001083604.3, NM_001083605.3, NM_001083606.3 and 1 more transcripts); c.2324G>C, p.Ser775Thr (NM_001354918.2); short protein forms S676T, S826T, S761T, S775T, S827T.
Identifiers: ClinVar variation 1791917 (VCV001791917.2), dbSNP rs2117953789, ClinGen allele CA374113997.

ClinVar aggregate classification (germline): Uncertain significance (1 of 4 stars; one submission).

Conditions:
Hereditary cancer-predisposing syndrome. Also called: Hereditary Cancer Syndrome; Hereditary neoplastic syndrome; Tumor predisposition; Neoplastic Syndromes, Hereditary. Identifiers: Orphanet 140162, MedGen C0027672, MeSH D009386, MONDO:0015356.

Submission:

Ambry Genetics
Classification: Uncertain significance for Hereditary cancer-predisposing syndrome. Last evaluated: 2022-02-12. Review status: criteria provided, single submitter. Criteria: Ambry Variant Classification Scheme 2023. Collection method: clinical testing. Allele origin: germline.
Comment: The p.S827T variant (also known as c.2480G>C), located in coding exon 15 of the PTCH1 gene, results from a G to C substitution at nucleotide position 2480. The serine at codon 827 is replaced by threonine, an amino acid with similar properties. This amino acid position is conserved. In addition, this alteration is predicted to be tolerated by in silico analysis. Since supporting evidence is limited at this time, the clinical significance of this alteration remains unclear.